The following is an entry in ClinVar:

NM_001184.4(ATR):c.1440T>A (p.Ser480Arg)

Gene: ATR (ATR checkpoint kinase; minus strand). Cytogenetic location: 3q23.
Variant type: single nucleotide variant.
Coding change: c.1440T>A on transcript NM_001184.4 (MANE Select); coding-DNA position 1440, T replaced by A.
Protein change: p.Ser480Arg; replaces serine 480 with arginine.
Molecular consequence: missense variant. On other transcripts: intron variant (1).
Genome position (GRCh38, 1-based): chr3:142,560,364, A>T on the plus strand (T>A on the coding strand, the complement: ATR is on the minus strand). VCF-style: chr3-142560364-A-T. GRCh37 (hg19) VCF-style: chr3-142279206-A-T.
Other names: c.1349+879T>A (NM_001354579.2); short protein forms S480R.
Identifiers: ClinVar variation 2587552 (VCV002587552.2), dbSNP rs2108482985, ClinGen allele CA354822861.

ClinVar aggregate classification (germline): Uncertain significance (1 of 4 stars; one submission).

Conditions:
Inborn genetic diseases. Identifiers: MedGen C0950123, MeSH D030342.

Submission:

Ambry Genetics
Classification: Uncertain significance for Inborn genetic diseases. Last evaluated: 2023-06-29. Review status: criteria provided, single submitter. Criteria: Ambry Variant Classification Scheme 2023. Collection method: clinical testing. Allele origin: germline.
Comment: The p.S480R variant (also known as c.1440T>A), located in coding exon 6 of the ATR gene, results from a T to A substitution at nucleotide position 1440. The serine at codon 480 is replaced by arginine, an amino acid with dissimilar properties. This amino acid position is conserved. In addition, this alteration is predicted to be tolerated by in silico analysis. Since supporting evidence is limited at this time, the clinical significance of this alteration remains unclear.